The following is an entry in ClinVar:

ClinVar aggregate classification (germline): Uncertain significance (1 of 4 stars; one submission).

Conditions:
Familial intrahepatic cholestasis. Identifiers: Orphanet 284385, MedGen CN296401, MONDO:0017290.

Submission:

Genomenon, Inc
Classification: Uncertain significance for Familial intrahepatic cholestasis. Last evaluated: 2026-04-14. Review status: criteria provided, single submitter. Criteria: Genomenon Sequence Variant Interpretation Standards - Updated. Collection method: curation. Allele origin: germline. Affected: yes.
Comment: ABCB11 p.Leu1204Pro (c.3611T>C) is a missense variant that changes the amino acid at residue 1204 from Leucine to Proline. This variant has been observed in at least one proband with an ABCB11-related disorder (PMID:28733223). It is absent or not present at a significant frequency in gnomAD. In silico models predict that this variant is possibly or probably damaging. In conclusion, we classify ABCB11 p.Leu1204Pro (c.3611T>C) as a variant of uncertain significance.

Literature cited by the submitters: PubMed 28733223.

NM_003742.4(ABCB11):c.3611T>C (p.Leu1204Pro)

Gene: ABCB11 (ATP binding cassette subfamily B member 11; minus strand). Cytogenetic location: 2q31.1.
Variant type: single nucleotide variant.
Coding change: c.3611T>C on transcript NM_003742.4 (MANE Select); coding-DNA position 3611, T replaced by C.
Protein change: p.Leu1204Pro; replaces leucine 1204 with proline.
Molecular consequence: missense variant.
Genome position (GRCh38, 1-based): chr2:168,927,163, A>G on the plus strand (T>C on the coding strand, the complement: ABCB11 is on the minus strand). VCF-style: chr2-168927163-A-G. GRCh37 (hg19) VCF-style: chr2-169783673-A-G.
Other names: short protein forms L1204P.
Identifiers: ClinVar variation 4846077 (VCV004846077.1).